The following is an entry in ClinVar:

ClinVar aggregate classification (germline): Conflicting classifications of pathogenicity. Review status: criteria provided, conflicting classifications (1 of 4 stars). 2 submissions from 2 submitters: Likely pathogenic (1); Uncertain significance (1). Last evaluated 2024-09-23.

Conditions:
Noonan syndrome 4 (NS4). Also called: SOS1-Related Noonan Syndrome; NOONAN SYNDROME WITH PIGMENTED VILLONODULAR SYNOVITIS. Identifiers: Orphanet 648, MedGen C1853120, MONDO:0012547, OMIM 610733.

Submissions (2):

Women's Health and Genetics/Laboratory Corporation of America, LabCorp
Classification: Uncertain significance. Last evaluated: 2024-09-23. Review status: criteria provided, single submitter. Criteria: LabCorp Variant Classification Summary - May 2015. Collection method: clinical testing. Allele origin: germline.
Comment: Variant summary: SOS1 c.512T>A (p.Val171Glu) results in a non-conservative amino acid change in the encoded protein sequence. Five of five in-silico tools predict a damaging effect of the variant on protein function. Consensus agreement among computation tools predict no significant impact on normal splicing. However, these predictions have yet to be confirmed by functional studies. The variant was absent in 248702 control chromosomes (gnomAD). c.512T>A has been reported in the literature in at least one individual affected with Noonan Syndrome and reported as de novo variant (Suzuki_2022). These data do not allow any conclusion about variant significance. To our knowledge, no experimental evidence demonstrating an impact on protein function has been reported. The following publication have been ascertained in the context of this evaluation (PMID: 35131284). No submitters have cited clinical-significance assessments for this variant to ClinVar. Based on the evidence outlined above, the variant was classified as VUS-possibly pathogenic.

Center for Medical Genetics, Keio University School of Medicine
Classification: Likely pathogenic for Noonan syndrome 4. Last evaluated: 2021-02-15. Review status: criteria provided, single submitter. Criteria: ACMG Guidelines, 2015. Collection method: research. Allele origin: de novo. Inheritance: Autosomal dominant inheritance. Affected: yes. Observed: 1 heterozygote.
Comment: The NM_005633.4:c.512T>A (p.Val171Gly) variant is a missense change in the SOS1 gene, resulting in the substitution of valine with glycine at codon 171, located in a highly conserved region (PM1_Supporting). The variant was identified through trio-based exome sequencing, and was confirmed to be de novo by both exome and Sanger sequencing (PS2). This variant is absent from large population databases, including gnomAD v2.1.1 (PM2), supporting its rarity. In addition, functional evidence supports a deleterious effect of the variant on protein function, consistent with the gain-of-function mechanism known for SOS1-related Noonan syndrome (internal data) (PS3). In summary, this variant meets criteria to be classified as "Likely pathogenic" based on the ACMG/AMP criteria applied, as specified by the ClinGen RASopathy VCEP: PS2, PS3, PM2.

Literature cited by the submitters: PubMed 35131284 (cited by Women's Health and Genetics/Laboratory Corporation of America, LabCorp).

NM_005633.4(SOS1):c.512T>A (p.Val171Glu)

Gene: SOS1 (SOS Ras/Rac guanine nucleotide exchange factor 1; minus strand). Cytogenetic location: 2p22.1.
Variant type: single nucleotide variant.
Coding change: c.512T>A on transcript NM_005633.4 (MANE Select); coding-DNA position 512, T replaced by A.
Protein change: p.Val171Glu; replaces valine 171 with glutamic acid.
Molecular consequence: missense variant.
Genome position (GRCh38, 1-based): chr2:39,054,822, A>T on the plus strand (T>A on the coding strand, the complement: SOS1 is on the minus strand). VCF-style: chr2-39054822-A-T. GRCh37 (hg19) VCF-style: chr2-39281963-A-T.
Other names: c.491T>A, p.Val164Glu (NM_001382394.1); c.512T>A, p.Val171Glu (NM_001382395.1); short protein forms V164E, V171E.
Identifiers: ClinVar variation 3375319 (VCV003375319.1).